The following is an entry in ClinVar:

NM_201384.3(PLEC):c.6490G>A (p.Asp2164Asn)

Gene: PLEC (plectin; minus strand). Cytogenetic location: 8q24.3.
Variant type: single nucleotide variant.
Coding change: c.6490G>A on transcript NM_201384.3 (MANE Select); coding-DNA position 6490, G replaced by A.
Protein change: p.Asp2164Asn; replaces aspartic acid 2164 with asparagine.
Molecular consequence: missense variant.
Genome position (GRCh38, 1-based): chr8:143,923,439, C>T on the plus strand (G>A on the coding strand, the complement: PLEC is on the minus strand). VCF-style: chr8-143923439-C-T. GRCh37 (hg19) VCF-style: chr8-144997607-C-T.
Other names: c.6571G>A, p.Asp2191Asn (NM_000445.5); c.6448G>A, p.Asp2150Asn (NM_201378.4); c.6424G>A, p.Asp2142Asn (NM_201379.3); c.6901G>A, p.Asp2301Asn (NM_201380.4); c.6394G>A, p.Asp2132Asn (NM_201381.3); c.6490G>A, p.Asp2164Asn (NM_201382.4); c.6502G>A, p.Asp2168Asn (NM_201383.3); short protein forms D2142N, D2168N, D2132N, D2191N, D2150N, D2164N, D2301N.
Identifiers: ClinVar variation 2125681 (VCV002125681.4), dbSNP rs2537738958, ClinGen allele CA372533947.

ClinVar aggregate classification (germline): Uncertain significance (1 of 4 stars; one submission).

Conditions:
Epidermolysis bullosa simplex with nail dystrophy (EBS5D). Identifiers: MedGen C4225309, MONDO:0014661, OMIM 616487.
Autosomal recessive limb-girdle muscular dystrophy type 2Q (LGMDR17). Also called: MUSCULAR DYSTROPHY, LIMB-GIRDLE, AUTOSOMAL RECESSIVE 17. Identifiers: Orphanet 254361, MedGen C3150989, MONDO:0013390, OMIM 613723.
Epidermolysis bullosa simplex 5B, with muscular dystrophy (EBS5B). Also called: EPIDERMOLYSIS BULLOSA SIMPLEX AND LIMB-GIRDLE MUSCULAR DYSTROPHY; Epidermolysis bullosa simplex with muscular dystrophy. Identifiers: Orphanet 257, MedGen C2931072, MONDO:0009181, OMIM 226670.
Epidermolysis bullosa simplex, Ogna type (EBS5A). Also called: Pidermolysis bullosa simplex 5A, Ogna type; EPIDERMOLYSIS BULLOSA SIMPLEX 5A, OGNA TYPE. Identifiers: Orphanet 79401, MedGen C0432317, MONDO:0007555, OMIM 131950.
Epidermolysis bullosa simplex 5C, with pyloric atresia (EBS5C). Also called: PLEC-Related Epidermolysis Bullosa with Pyloric Atresia; Epidermolysis bullosa simplex with pyloric atresia; PLEC1-Related Epidermolysis Bullosa with Pyloric Atresia. Identifiers: Orphanet 158684, MedGen C2677349, MONDO:0012807, OMIM 612138.

gnomAD v4.1: 3 of 1,609,492 alleles (0.00019%); highest among the groups gnomAD compares: Admixed American, 0.0017%; no homozygotes.

Submission:

Labcorp Genetics (formerly Invitae), Labcorp
Classification: Uncertain significance for Autosomal recessive limb-girdle muscular dystrophy type 2Q; Epidermolysis bullosa simplex, Ogna type; Epidermolysis bullosa simplex with nail dystrophy; Epidermolysis bullosa simplex 5C, with pyloric atresia; Epidermolysis bullosa simplex 5B, with muscular dystrophy. Last evaluated: 2022-04-12. Review status: criteria provided, single submitter. Criteria: Invitae Variant Classification Sherloc (09022015). Collection method: clinical testing. Allele origin: germline.
Comment: In summary, the available evidence is currently insufficient to determine the role of this variant in disease. Therefore, it has been classified as a Variant of Uncertain Significance. Algorithms developed to predict the effect of missense changes on protein structure and function are either unavailable or do not agree on the potential impact of this missense change (SIFT: "Deleterious"; PolyPhen-2: "Probably Damaging"; Align-GVGD: "Class C15"). This variant has not been reported in the literature in individuals affected with PLEC-related conditions. This variant is not present in population databases (gnomAD no frequency). This sequence change replaces aspartic acid, which is acidic and polar, with asparagine, which is neutral and polar, at codon 2191 of the PLEC protein (p.Asp2191Asn).